The following is an entry in ClinVar:

NM_018489.3(ASH1L):c.7148T>G (p.Ile2383Ser)

Gene: ASH1L (ASH1 like histone lysine methyltransferase; minus strand). Cytogenetic location: 1q22.
Variant type: single nucleotide variant.
Coding change: c.7148T>G on transcript NM_018489.3 (MANE Select); coding-DNA position 7148, T replaced by G.
Protein change: p.Ile2383Ser; replaces isoleucine 2383 with serine.
Molecular consequence: missense variant.
Genome position (GRCh38, 1-based): chr1:155,354,538, A>C on the plus strand (T>G on the coding strand, the complement: ASH1L is on the minus strand). VCF-style: chr1-155354538-A-C. GRCh37 (hg19) VCF-style: chr1-155324329-A-C.
Other names: c.7163T>G, p.Ile2388Ser (NM_001366177.2); short protein forms I2383S, I2388S.
Identifiers: ClinVar variation 3361894 (VCV003361894.1).

ClinVar aggregate classification (germline): Uncertain significance (1 of 4 stars; one submission).

Submission:

GeneDx
Classification: Uncertain significance. Last evaluated: 2023-08-09. Review status: criteria provided, single submitter. Criteria: GeneDx Variant Classification Process June 2021. Collection method: clinical testing. Allele origin: germline. Affected: yes.
Comment: Not observed at significant frequency in large population cohorts (gnomAD); In silico analysis supports that this missense variant does not alter protein structure/function; Has not been previously published as pathogenic or benign to our knowledge